The following is an entry in ClinVar:

ClinVar aggregate classification (germline): Uncertain significance. Review status: criteria provided, multiple submitters, no conflicts (2 of 4 stars). 2 submissions from 2 submitters: Uncertain significance (2). Last evaluated 2024-09-04.

Conditions:
Hereditary cancer-predisposing syndrome. Also called: Hereditary Cancer Syndrome; Tumor predisposition; Hereditary neoplastic syndrome; Neoplastic Syndromes, Hereditary. Identifiers: Orphanet 140162, MedGen C0027672, MeSH D009386, MONDO:0015356.
Multiple endocrine neoplasia, type 2 (MEN2). Identifiers: Orphanet 653, MedGen C4048306, MONDO:0019003. Disease mechanism: gain of function.

Allele frequency attached by ClinVar (database versions not stated): TOPMed below 0.00001.
gnomAD v4.1: 1 of 1,602,282 alleles (0.000062%); highest among the groups gnomAD compares: Non-Finnish European, 0.000085%; no homozygotes.

Submissions (2):

Labcorp Genetics (formerly Invitae), Labcorp
Classification: Uncertain significance for Multiple endocrine neoplasia, type 2. Last evaluated: 2024-09-04. Review status: criteria provided, single submitter. Criteria: Invitae Variant Classification Sherloc (09022015). Collection method: clinical testing. Allele origin: germline.
Comment: This sequence change replaces glutamic acid, which is acidic and polar, with aspartic acid, which is acidic and polar, at codon 511 of the RET protein (p.Glu511Asp). This variant is not present in population databases (gnomAD no frequency). This variant has not been reported in the literature in individuals affected with RET-related conditions. ClinVar contains an entry for this variant (Variation ID: 647026). An algorithm developed to predict the effect of missense changes on protein structure and function (PolyPhen-2) suggests that this variant is likely to be tolerated. In summary, the available evidence is currently insufficient to determine the role of this variant in disease. Therefore, it has been classified as a Variant of Uncertain Significance.

Ambry Genetics
Classification: Uncertain significance for Hereditary cancer-predisposing syndrome. Last evaluated: 2024-01-25. Review status: criteria provided, single submitter. Criteria: Ambry Variant Classification Scheme 2023. Collection method: clinical testing. Allele origin: germline.
Comment: The p.E511D variant (also known as c.1533G>T), located in coding exon 8 of the RET gene, results from a G to T substitution at nucleotide position 1533. The glutamic acid at codon 511 is replaced by aspartic acid, an amino acid with highly similar properties. This amino acid position is well conserved in available vertebrate species. In addition, the in silico prediction for this alteration is inconclusive. Based on the available evidence, the clinical significance of this alteration remains unclear.

NM_020975.6(RET):c.1533G>T (p.Glu511Asp)

Gene: RET (ret proto-oncogene; plus strand). Cytogenetic location: 10q11.21.
Variant type: single nucleotide variant.
Coding change: c.1533G>T on transcript NM_020975.6 (MANE Select); coding-DNA position 1533, G replaced by T.
Protein change: p.Glu511Asp; replaces glutamic acid 511 with aspartic acid.
Molecular consequence: missense variant.
Genome position (GRCh38, 1-based): chr10:43,112,109, G>T. VCF-style: chr10-43112109-G-T. GRCh37 (hg19) VCF-style: chr10-43607557-G-T.
Other names: c.1533G>T, p.Glu511Asp (NM_000323.2, NM_001406743.1, NM_001406744.1 and 6 more transcripts); c.771G>T, p.Glu257Asp (NM_001355216.2); c.1404G>T, p.Glu468Asp (NM_001406761.1, NM_001406762.1, NM_001406764.1 and 1 more transcripts); c.1245G>T, p.Glu415Asp (NM_001406766.1, NM_001406767.1, NM_001406770.1); c.1137G>T, p.Glu379Asp (NM_001406769.1, NM_001406772.1); c.1095G>T, p.Glu365Asp (NM_001406771.1, NM_001406773.1); c.1008G>T, p.Glu336Asp (NM_001406774.1); c.807G>T, p.Glu269Asp (NM_001406775.1, NM_001406776.1, NM_001406777.1 and 1 more transcripts); and 5 more; short protein forms E257D, E511D, E365D, E379D, E269D, E415D, E116D, E212D.
Identifiers: ClinVar variation 647026 (VCV000647026.10), dbSNP rs1588872048, ClinGen allele CA376550220.